The following is an entry in ClinVar:

NM_017570.5(OPLAH):c.3164C>T (p.Ala1055Val)

Gene: OPLAH (5-oxoprolinase, ATP-hydrolysing; minus strand). Cytogenetic location: 8q24.3.
Variant type: single nucleotide variant.
Coding change: c.3164C>T on transcript NM_017570.5 (MANE Select); coding-DNA position 3164, C replaced by T.
Protein change: p.Ala1055Val; replaces alanine 1055 with valine.
Molecular consequence: missense variant.
Genome position (GRCh38, 1-based): chr8:144,052,588, G>A on the plus strand (C>T on the coding strand, the complement: OPLAH is on the minus strand). VCF-style: chr8-144052588-G-A. GRCh37 (hg19) VCF-style: chr8-145107491-G-A.
Other names: short protein forms A1055V.
Identifiers: ClinVar variation 2070849 (VCV002070849.4), dbSNP rs782548384, ClinGen allele CA4931191.

ClinVar aggregate classification (germline): Uncertain significance (1 of 4 stars; one submission).

Conditions:
5-Oxoprolinase deficiency (OPLAHD). Also called: 5-OXOPROLINURIA DUE TO 5-OXOPROLINASE DEFICIENCY. Identifiers: Orphanet 33572, MedGen C0268525, MONDO:0009825, OMIM 260005, HP:0040142.

Allele frequency attached by ClinVar (database versions not stated): TOPMed 0.00003; ExAC 0.00004; 1000 Genomes Project 30x 0.00016; gnomAD 0.00001.
gnomAD v4.1: 12 of 1,595,640 alleles (0.00075%); highest among the groups gnomAD compares: Admixed American, 0.015%; no homozygotes.

Submission:

Labcorp Genetics (formerly Invitae), Labcorp
Classification: Uncertain significance for 5-Oxoprolinase deficiency. Last evaluated: 2022-05-24. Review status: criteria provided, single submitter. Criteria: Invitae Variant Classification Sherloc (09022015). Collection method: clinical testing. Allele origin: germline.
Comment: In summary, the available evidence is currently insufficient to determine the role of this variant in disease. Therefore, it has been classified as a Variant of Uncertain Significance. Algorithms developed to predict the effect of missense changes on protein structure and function are either unavailable or do not agree on the potential impact of this missense change (SIFT: "Not Available"; PolyPhen-2: "Benign"; Align-GVGD: "Not Available"). This variant has not been reported in the literature in individuals affected with OPLAH-related conditions. The frequency data for this variant in the population databases is considered unreliable, as metrics indicate poor data quality at this position in the gnomAD database. This sequence change replaces alanine, which is neutral and non-polar, with valine, which is neutral and non-polar, at codon 1055 of the OPLAH protein (p.Ala1055Val).